The following is an entry in ClinVar:

NM_005732.4(RAD50):c.885+11G>A

Gene: RAD50 (RAD50 double strand break repair protein; plus strand). Cytogenetic location: 5q31.1.
Variant type: single nucleotide variant.
Coding change: c.885+11G>A on transcript NM_005732.4 (MANE Select); 11 bases into the intron after coding-DNA position 885, G replaced by A.
Molecular consequence: intron variant.
Genome position (GRCh38, 1-based): chr5:132,587,701, G>A. VCF-style: chr5-132587701-G-A. GRCh37 (hg19) VCF-style: chr5-131923393-G-A.
Identifiers: ClinVar variation 182820 (VCV000182820.18), dbSNP rs117081789, ClinGen allele CA299852.

ClinVar aggregate classification (germline): Benign. Review status: criteria provided, multiple submitters, no conflicts (2 of 4 stars). 5 submissions from 5 submitters: Benign (4). 1 of the submissions does not count toward it. Last evaluated 2026-01-29.

Conditions:
Hereditary cancer-predisposing syndrome. Also called: Tumor predisposition; Neoplastic Syndromes, Hereditary; Hereditary Cancer Syndrome; Hereditary neoplastic syndrome. Identifiers: Orphanet 140162, MedGen C0027672, MeSH D009386, MONDO:0015356.
Nijmegen breakage syndrome-like disorder (NBSLD). Also called: MICROCEPHALY AND SPONTANEOUS CHROMOSOME INSTABILITY WITHOUT IMMUNODEFICIENCY; NBS-LIKE DISORDER; RAD50 DEFICIENCY. Identifiers: Orphanet 240760, MedGen C2751318, MONDO:0013118, OMIM 613078.
Familial cancer of breast. Also called: hereditary breast carcinoma; Hereditary breast cancer; BREAST CANCER, FAMILIAL. Identifiers: Orphanet 227535, MedGen C0346153, MONDO:0016419, OMIM 114480. Disease mechanism: loss of function.

Allele frequency attached by ClinVar (database versions not stated): ESP Exome Variant Server 0.00008; gnomAD 0.00071 and 0.00119; gnomAD exomes 0.00099 and 0.00263; TOPMed 0.00178; ExAC 0.00248; 1000 Genomes Project 30x 0.00656; 1000 Genomes Project 0.00719.
gnomAD v4.1: 1,663 of 1,613,430 alleles (0.1%); highest among the groups gnomAD compares: East Asian, 3.2%; 32 homozygotes.

Submissions (7):

Labcorp Genetics (formerly Invitae), Labcorp
Classification: Benign for Hereditary cancer-predisposing syndrome. Last evaluated: 2026-01-29. Review status: criteria provided, single submitter. Criteria: Invitae Variant Classification Sherloc (09022015). Collection method: clinical testing. Allele origin: germline.

KCCC/NGS Laboratory, Kuwait Cancer Control Center
Classification: Benign for Familial cancer of breast. Last evaluated: 2023-07-07. Review status: criteria provided, single submitter. Criteria: ACMG Guidelines, 2015. Collection method: clinical testing. Allele origin: germline. Affected: yes.

Genetic Services Laboratory, University of Chicago
Classification: Benign. Last evaluated: 2020-01-10. Review status: criteria provided, single submitter. Criteria: ACMG Guidelines, 2015. Collection method: clinical testing. Allele origin: germline. Affected: no.

GeneDx
Classification: Benign. Last evaluated: 2014-01-20. Review status: criteria provided, single submitter. Criteria: GeneDx Variant Classification (06012015). Collection method: clinical testing. Allele origin: germline. Affected: yes.
Comment: This variant is considered likely benign or benign based on one or more of the following criteria: it is a conservative change, it occurs at a poorly conserved position in the protein, it is predicted to be benign by multiple in silico algorithms, and/or has population frequency not consistent with disease.

Counsyl
Classification: Benign for Nijmegen breakage syndrome-like disorder. Last evaluated: 2016-05-25. Review status: no assertion criteria provided. Collection method: clinical testing. Allele origin: unknown. Not counted in ClinVar's aggregate classification.

Dr. Peter K. Rogan Lab, Western University
No classification provided (evidence only). Condition: Gastric cancer. Review status: no classification provided. Collection method: in vitro. Allele origin: not applicable. Functional consequence: retained intron. Not counted in ClinVar's aggregate classification.

Dr. Peter K. Rogan Lab, Western University
No classification provided (evidence only). Condition: Gastric cancer. Review status: no classification provided. Collection method: in vitro. Allele origin: not applicable. Functional consequence: retained intron. Not counted in ClinVar's aggregate classification.